The following is an entry in ClinVar:

NM_001035.3(RYR2):c.2823-177G>A

Gene: RYR2 (ryanodine receptor 2; plus strand). Cytogenetic location: 1q43.
Variant type: single nucleotide variant.
Coding change: c.2823-177G>A on transcript NM_001035.3 (MANE Select); 177 bases into the intron before coding-DNA position 2823, G replaced by A.
Molecular consequence: intron variant.
Genome position (GRCh38, 1-based): chr1:237,530,250, G>A. VCF-style: chr1-237530250-G-A. GRCh37 (hg19) VCF-style: chr1-237693550-G-A.
Identifiers: ClinVar variation 675739 (VCV000675739.1), dbSNP rs6698551, ClinGen allele CA39798433.

ClinVar aggregate classification (germline): Likely benign (1 of 4 stars; one submission).

Allele frequency attached by ClinVar (database versions not stated): TOPMed 0.00666; gnomAD 0.00716; 1000 Genomes Project 0.00739; 1000 Genomes Project 30x 0.00812.
gnomAD v4.1: 961 of 151,796 alleles (0.63%); highest among the groups gnomAD compares: African/African-American, 2.2%; 12 homozygotes.

Submission:

GeneDx
Classification: Likely benign. Last evaluated: 2018-06-19. Review status: criteria provided, single submitter. Criteria: GeneDx Variant Classification (06012015). Collection method: clinical testing. Allele origin: germline. Affected: yes.
Comment: This variant is considered likely benign or benign based on one or more of the following criteria: it is a conservative change, it occurs at a poorly conserved position in the protein, it is predicted to be benign by multiple in silico algorithms, and/or has population frequency not consistent with disease.